The following is an entry in ClinVar:

NM_024577.4(SH3TC2):c.3478+5G>A

Gene: SH3TC2 (SH3 domain and tetratricopeptide repeats 2; minus strand). Cytogenetic location: 5q32.
Variant type: single nucleotide variant.
Coding change: c.3478+5G>A on transcript NM_024577.4 (MANE Select); 5 bases into the intron after coding-DNA position 3478, G replaced by A.
Molecular consequence: intron variant.
Genome position (GRCh38, 1-based): chr5:149,008,846, C>T on the plus strand (G>A on the coding strand, the complement: SH3TC2 is on the minus strand). VCF-style: chr5-149008846-C-T. GRCh37 (hg19) VCF-style: chr5-148388409-C-T.
Other names: NC_000005.9:g.148388409C>T.
Identifiers: ClinVar variation 1731801 (VCV001731801.3), dbSNP rs754439916, ClinGen allele CA3498740.
Genomic context (GRCh38, chr5:149,008,846, plus strand): 5'-TTTGCTGTCTATCCTTGACTAATCACCCCTCTCATTCAACACACCCAATAGTGAAGACCA[C>T]CCACCTGTGACTGTGCTGAGCCTGGCGGCCAGGGTGGCAAATTCCAAAGCCTTCTCATAG-3'

ClinVar aggregate classification (germline): Uncertain significance (1 of 4 stars; one submission).

Conditions:
Inborn genetic diseases. Identifiers: MedGen C0950123, MeSH D030342.

Allele frequency attached by ClinVar (database versions not stated): ExAC 0.00001; gnomAD exomes below 0.00001; TOPMed below 0.00001.
gnomAD v4.1: 1 of 1,614,038 alleles (0.000062%); highest among the groups gnomAD compares: Non-Finnish European, 0.000085%; no homozygotes.

Submissions (2):

Ambry Genetics
Classification: Uncertain significance for Inborn genetic diseases. Last evaluated: 2022-03-22. Review status: criteria provided, single submitter. Criteria: Ambry Variant Classification Scheme 2023. Collection method: clinical testing. Allele origin: germline.
Comment: The c.3478+5G>A intronic variant results from a G to A substitution 5 nucleotides after coding exon 15 in the SH3TC2 gene. This nucleotide position is highly conserved in available vertebrate species. In silico splice site analysis for this alteration is inconclusive. Since supporting evidence is limited at this time, the clinical significance of this alteration remains unclear.

Dr. Peter K. Rogan Lab, Western University
No classification provided (evidence only). Condition: Lung cancer. Review status: no classification provided. Collection method: in vitro. Allele origin: not applicable. Functional consequence: retained intron. Not counted in ClinVar's aggregate classification.